The following is an entry in ClinVar:

ClinVar aggregate classification (germline): Uncertain significance. Review status: criteria provided, multiple submitters, no conflicts (2 of 4 stars). 6 submissions from 6 submitters: Uncertain significance (6). Last evaluated 2026-04-01.

Conditions:
Episodic ataxia type 6. Identifiers: Orphanet 209967, MedGen C2675211, MONDO:0012982, OMIM 612656.

Allele frequency attached by ClinVar (database versions not stated): TOPMed below 0.00001; ExAC 0.00001; gnomAD 0.00001 and 0.00002; gnomAD exomes 0.00001.
gnomAD v4.1: 19 of 1,614,102 alleles (0.0012%); highest among the groups gnomAD compares: Middle Eastern, 0.066%; no homozygotes.

Submissions (6):

CeGaT Center for Human Genetics Tuebingen
Classification: Uncertain significance. Last evaluated: 2026-04-01. Review status: criteria provided, single submitter. Criteria: CeGaT Center For Human Genetics Tuebingen Variant Classification Criteria Version 2. Collection method: clinical testing. Allele origin: germline. Affected: yes. Observed: 3 variant alleles.
Comment: SLC1A3: PM2, BP4

Labcorp Genetics (formerly Invitae), Labcorp
Classification: Uncertain significance. Last evaluated: 2025-10-22. Review status: criteria provided, single submitter. Criteria: Invitae Variant Classification Sherloc (09022015). Collection method: clinical testing. Allele origin: germline.
Comment: This sequence change replaces lysine, which is basic and polar, with glutamic acid, which is acidic and polar, at codon 10 of the SLC1A3 protein (p.Lys10Glu). This variant is present in population databases (rs754763002, gnomAD 0.003%). This variant has not been reported in the literature in individuals affected with SLC1A3-related conditions. ClinVar contains an entry for this variant (Variation ID: 195211). An algorithm developed to predict the effect of missense changes on protein structure and function (PolyPhen-2) suggests that this variant is likely to be tolerated. In summary, the available evidence is currently insufficient to determine the role of this variant in disease. Therefore, it has been classified as a Variant of Uncertain Significance.

Genome-Nilou Lab
Classification: Uncertain significance for Episodic ataxia type 6. Last evaluated: 2021-09-05. Review status: criteria provided, single submitter. Criteria: ACMG Guidelines, 2015. Collection method: clinical testing. Allele origin: germline. Affected: no.

Illumina Laboratory Services, Illumina
Classification: Uncertain significance for Episodic ataxia type 6. Last evaluated: 2018-01-12. Review status: criteria provided, single submitter. Criteria: ICSL Variant Classification Criteria 13 December 2019. Collection method: clinical testing. Allele origin: germline.

Eurofins Ntd Llc (ga)
Classification: Uncertain significance. Last evaluated: 2015-02-16. Review status: criteria provided, single submitter. Criteria: EGL Classification Definitions 2015. Collection method: clinical testing. Allele origin: germline. Observed: 1 variant allele, 1 heterozygote.

Breakthrough Genomics
Classification: Uncertain significance. Review status: criteria provided, single submitter. Criteria: ACMG Guidelines, 2015. Collection method: not provided. Allele origin: germline. Inheritance: Autosomal dominant inheritance. Affected: yes.

NM_004172.5(SLC1A3):c.28A>G (p.Lys10Glu)

Gene: SLC1A3 (solute carrier family 1 member 3; plus strand). Cytogenetic location: 5p13.2.
Variant type: single nucleotide variant.
Coding change: c.28A>G on transcript NM_004172.5 (MANE Select); coding-DNA position 28, A replaced by G.
Protein change: p.Lys10Glu; replaces lysine 10 with glutamic acid.
Molecular consequence: missense variant.
Genome position (GRCh38, 1-based): chr5:36,608,451, A>G. VCF-style: chr5-36608451-A-G. GRCh37 (hg19) VCF-style: chr5-36608553-A-G.
Other names: c.28A>G, p.Lys10Glu (NM_001166695.3, NM_001166696.3, NM_001289939.2 and 1 more transcripts); short protein forms K10E.
Identifiers: ClinVar variation 195211 (VCV000195211.60), dbSNP rs754763002, ClinGen allele CA241530.